The following is an entry in ClinVar:

ClinVar aggregate classification (germline): Pathogenic (1 of 4 stars; one submission).

Submission:

Labcorp Genetics (formerly Invitae), Labcorp
Classification: Pathogenic. Last evaluated: 2024-02-18. Review status: criteria provided, single submitter. Criteria: Invitae Variant Classification Sherloc (09022015). Collection method: clinical testing. Allele origin: germline.
Comment: This sequence change creates a premature translational stop signal (p.Ala229Trpfs*10) in the ZNF469 gene. It is expected to result in an absent or disrupted protein product. Loss-of-function variants in ZNF469 are known to be pathogenic (PMID: 23642083, 23680354). This variant is not present in population databases (gnomAD no frequency). This variant has not been reported in the literature in individuals affected with ZNF469-related conditions. For these reasons, this variant has been classified as Pathogenic.

Literature cited by the submitters: PubMed 23642083; PubMed 23680354.

NM_001367624.2(ZNF469):c.685_689del (p.Ala229fs)

Gene: ZNF469 (zinc finger protein 469; plus strand). Cytogenetic location: 16q24.2.
Variant type: Deletion.
Coding change: c.685_689del on transcript NM_001367624.2 (MANE Select); coding-DNA positions 685 to 689, 5 bases deleted (GCCAG; older notation c.685_689delGCCAG).
Protein change: p.Ala229fs; shifts the reading frame from alanine 229.
Molecular consequence: frameshift variant.
Genome position (GRCh38, 1-based): chr16:88,428,155-88,428,159, GCCAG deleted; deleting any 5 consecutive bases within chr16:88,428,151-88,428,159 gives the same sequence; the c. name uses the placement nearest the transcript's 3' end. VCF-style (leftmost placement, unchanged base first): chr16-88428150-ACCAGG-A. GRCh37 (hg19) VCF-style: chr16-88494558-ACCAGG-A.
Other names: short protein forms A229fs.
Identifiers: ClinVar variation 3641862 (VCV003641862.2).
Genomic context (GRCh38, chr16:88,428,150, plus strand): 5'-CCCCGGGGCCCCCCCAGAGCAGGGGCACCAGCCCCCTCCAGCCCGGTTCCTATCCCGAAT[ACCAGG>A]CCAGTGGGGCCGACTCCTGGCCTCCCGCTGCTGAGAATAGCTTCCCAGGTGCTAATTTCG-3'